The following is an entry in ClinVar:

NM_015046.7(SETX):c.4090A>G (p.Arg1364Gly)

Gene: SETX (senataxin; minus strand). Cytogenetic location: 9q34.13.
Variant type: single nucleotide variant.
Coding change: c.4090A>G on transcript NM_015046.7 (MANE Select); coding-DNA position 4090, A replaced by G.
Protein change: p.Arg1364Gly; replaces arginine 1364 with glycine.
Molecular consequence: missense variant.
Genome position (GRCh38, 1-based): chr9:132,327,508, T>C on the plus strand (A>G on the coding strand, the complement: SETX is on the minus strand). VCF-style: chr9-132327508-T-C. GRCh37 (hg19) VCF-style: chr9-135202895-T-C.
Other names: c.4090A>G, p.Arg1364Gly (NM_001351527.2, NM_001351528.2); short protein forms R1364G.
Identifiers: ClinVar variation 1209873 (VCV001209873.9), dbSNP rs142134306, ClinGen allele CA5297273.
Genomic context (GRCh38, chr9:132,327,508, plus strand): 5'-AATTCTGTGCTGTATGTGACCCTGCTCTTTTAACATCTGTACTTTCACAATCAGAAAGTC[T>C]TCGTCTATTTTTTTGTGATTTGGGTCTGATCTGCCTTTGCATCTGAAGTTCTTGACTAGT-3'
Protein context (NP_055861.3, residues 1354-1374): IRPKSQKNRR[Arg1364Gly]LSDCESTDVK

ClinVar aggregate classification (germline): Benign/Likely benign. Review status: criteria provided, multiple submitters, no conflicts (2 of 4 stars). 6 submissions from 6 submitters: Benign (1); Likely benign (3). 2 of the submissions do not count toward it. Last evaluated 2025-04-18.

Conditions:
Inborn genetic diseases. Identifiers: MedGen C0950123, MeSH D030342.
SETX-related disorder. Also called: SETX-related condition; SETX-related disorders. Identifiers: MedGen CN239403.
Amyotrophic lateral sclerosis type 4 (ALS4). Also called: AMYOTROPHIC LATERAL SCLEROSIS 4, JUVENILE; NEURONOPATHY, DISTAL HEREDITARY MOTOR, WITH PYRAMIDAL FEATURES. Identifiers: Orphanet 357043, MedGen C1865409, MONDO:0011223, OMIM 602433.
Spinocerebellar ataxia, autosomal recessive, with axonal neuropathy 2 (SCAN2). Also called: Ataxia with Oculomotor Apraxia; ATAXIA-OCULOMOTOR APRAXIA 2; Ataxia with Oculomotor Apraxia Type 2; Ataxia-ocular apraxia-2. Identifiers: Orphanet 64753, MedGen C1853761, MONDO:0018996, OMIM 606002.

Allele frequency attached by ClinVar (database versions not stated): gnomAD exomes 0.00002 and 0.00006; ExAC 0.00006; ESP Exome Variant Server 0.00023; gnomAD 0.00023 and 0.00026; TOPMed 0.00030.
gnomAD v4.1: 74 of 1,613,946 alleles (0.0046%); highest among the groups gnomAD compares: African/African-American, 0.088%; no homozygotes.

Submissions (6):

PreventionGenetics, part of Exact Sciences
Classification: Likely benign for SETX-related condition. Last evaluated: 2025-04-18. Review status: criteria provided, single submitter. Criteria: ACMG Guidelines, 2015. Collection method: clinical testing. Allele origin: germline.
Comment: This variant is classified as likely benign based on ACMG/AMP sequence variant interpretation guidelines (Richards et al. 2015 PMID: 25741868, with internal and published modifications).

Labcorp Genetics (formerly Invitae), Labcorp
Classification: Benign for Amyotrophic lateral sclerosis type 4; Spinocerebellar ataxia, autosomal recessive, with axonal neuropathy 2. Last evaluated: 2025-03-30. Review status: criteria provided, single submitter. Criteria: Invitae Variant Classification Sherloc (09022015). Collection method: clinical testing. Allele origin: germline.

Blueprint Genetics
Classification: Likely benign. Last evaluated: 2022-08-02. Review status: criteria provided, single submitter. Criteria: ACMG Guidelines, 2015. Collection method: clinical testing. Allele origin: germline.

Ambry Genetics
Classification: Likely benign for Inborn genetic diseases. Last evaluated: 2021-10-21. Review status: criteria provided, single submitter. Criteria: Ambry Variant Classification Scheme 2023. Collection method: clinical testing. Allele origin: germline.

Clinical Genetics DNA and cytogenetics Diagnostics Lab, Erasmus MC, Erasmus Medical Center
Classification: Likely benign. Review status: no assertion criteria provided. Collection method: clinical testing. Allele origin: germline. Affected: yes. Study: VKGL Data-share Consensus. Not counted in ClinVar's aggregate classification.

Genome Diagnostics Laboratory, Amsterdam University Medical Center
Classification: Likely benign. Review status: no assertion criteria provided. Collection method: clinical testing. Allele origin: germline. Affected: yes. Study: VKGL Data-share Consensus. Not counted in ClinVar's aggregate classification.